The following is an entry in ClinVar:

NM_001040142.2(SCN2A):c.1304C>T (p.Thr435Ile)

Gene: SCN2A (sodium voltage-gated channel alpha subunit 2; plus strand). Cytogenetic location: 2q24.3.
Variant type: single nucleotide variant.
Coding change: c.1304C>T on transcript NM_001040142.2 (MANE Select); coding-DNA position 1304, C replaced by T.
Protein change: p.Thr435Ile; replaces threonine 435 with isoleucine.
Molecular consequence: missense variant.
Genome position (GRCh38, 1-based): chr2:165,314,029, C>T. VCF-style: chr2-165314029-C-T. GRCh37 (hg19) VCF-style: chr2-166170539-C-T.
Other names: c.1304C>T, p.Thr435Ile (NM_001040143.2, NM_001371246.1, NM_001371247.1 and 1 more transcripts); short protein forms T435I.
Identifiers: ClinVar variation 421470 (VCV000421470.2), dbSNP rs1064795159, ClinGen allele CA16617263.

ClinVar aggregate classification (germline): Likely pathogenic (1 of 4 stars; one submission).

Submission:

GeneDx
Classification: Likely pathogenic. Last evaluated: 2017-12-07. Review status: criteria provided, single submitter. Criteria: GeneDx Variant Classification (06012015). Collection method: clinical testing. Allele origin: germline. Affected: yes.
Comment: A variant that is likely pathogenic has been identified in the SCN2A gene. The T435I variant has not been published as a pathogenic variant, nor has it been reported as a benign variant to our knowledge. It was not observed in approximately 6,500 individuals of European and African American ancestry in the NHLBI Exome Sequencing Project, indicating it is not a common benign variant in these populations. The T435I variant is a non-conservative amino acid substitution, which is likely to impact secondary protein structure as these residues differ in polarity, charge, size and/or other properties. In silico analysis predicts this variant is probably damaging to the protein structure/function. This substitution is predicted to be within the intracellular loop between the S6 transmembrane segment of the first homologous domain and the S1 transmembrane segment of the second homologous domain at a position where amino acids with similar properties to Threonine are tolerated across species. Therefore, this variant is likely pathogenic; however, the possibility that it is benign cannot be excluded.